The following is an entry in ClinVar:

NM_000531.6(OTC):c.941A>C (p.Glu314Ala)

Gene: OTC (ornithine transcarbamylase; plus strand). Cytogenetic location: Xp11.4.
Variant type: single nucleotide variant.
Coding change: c.941A>C on transcript NM_000531.6 (MANE Select); coding-DNA position 941, A replaced by C.
Protein change: p.Glu314Ala; replaces glutamic acid 314 with alanine.
Molecular consequence: missense variant.
Genome position (GRCh38, 1-based): chrX:38,411,935, A>C. VCF-style: chrX-38411935-A-C. GRCh37 (hg19) VCF-style: chrX-38271188-A-C.
Other names: NM_000531.6(OTC):c.941A>C; p.Glu314Ala; short protein forms E314A.
Identifiers: ClinVar variation 588323 (VCV000588323.23), dbSNP rs137899554, ClinGen allele CA10385961.

ClinVar aggregate classification (germline): Benign. Review status: reviewed by expert panel (3 of 4 stars). 8 submissions from 8 submitters: Benign (1). 7 of the submissions do not count toward it. Last evaluated 2026-09-15.

Conditions:
Inborn genetic diseases. Identifiers: MedGen C0950123, MeSH D030342.
Ornithine carbamoyltransferase deficiency (OTCD). Also called: OTC DEFICIENCY; ORNITHINE TRANSCARBAMYLASE DEFICIENCY; ORNITHINE TRANSCARBAMYLASE DEFICIENCY, HYPERAMMONEMIA DUE TO; Ornithine Carbamoyltransferase Deficiency Disease. Identifiers: Orphanet 664, MedGen C0268542, MONDO:0010703, OMIM 311250.

Allele frequency attached by ClinVar (database versions not stated): gnomAD exomes 0.00009; ExAC 0.00014; TOPMed 0.00022; gnomAD 0.00025 and 0.00028; ESP Exome Variant Server 0.00076.
gnomAD v4.1: 46 of 1,207,301 alleles (0.0038%); highest among the groups gnomAD compares: African/African-American, 0.079%; no homozygotes.

Submissions (8):

Clingen Urea Cycle Disorders Variant Curation Expert Panel, ClinGen
Classification: Benign for Ornithine carbamoyltransferase deficiency. Last evaluated: 2026-09-15. Review status: reviewed by expert panel. Criteria: ClinGen UreaCycles ACMG Specifications OTC V1.0. Collection method: curation. Allele origin: germline. Inheritance: X-linked inheritance.
Comment: The c.941A>C variant in OTC is a missense variant predicted to cause the substitution of glutamic acid by alanine at position 314 (p.Glu314Ala). The highest population minor allele frequency in gnomAD v4.1.0 is 0.0007869 in African/African American population, with 10 hemizygotes across all populations which is higher than the ClinGen OTC VCEP threshold (≥10 male hemizygotes) for BA1, and therefore meets this criterion (BA1). The computational predictor REVEL gives a SCORE of 0.667, which is above the threshold of 0.644 and supporting evidence of impact on OTC function (PP3), however growth assay in yeast showed >65% and <80% of wild-type OTC growth activity, indicating that this variant does not impact protein function (PMID: 37146589, BS3_Supporting). In summary, this variant is classified as Benign based on the UCD VCEP specifications. ACMG/AMP criteria applied, as specified by the ClinGen [ClinGen Urea Cycle Disorders VCEP: (OTC specifications version 1.0.0): BA1 (-8pts), BS3_Supporting (-1pt), PP3 (+1).

CeGaT Center for Human Genetics Tuebingen
Classification: Likely benign. Last evaluated: 2026-06-01. Review status: criteria provided, single submitter. Criteria: CeGaT Center For Human Genetics Tuebingen Variant Classification Criteria Version 2. Collection method: clinical testing. Allele origin: germline. Affected: yes. Observed: 1 variant allele. Not counted in ClinVar's aggregate classification.
Comment: OTC: BS2

Labcorp Genetics (formerly Invitae), Labcorp
Classification: Benign for Ornithine carbamoyltransferase deficiency. Last evaluated: 2025-11-24. Review status: criteria provided, single submitter. Criteria: Invitae Variant Classification Sherloc (09022015). Collection method: clinical testing. Allele origin: germline. Not counted in ClinVar's aggregate classification.

GeneDx
Classification: Uncertain significance. Last evaluated: 2024-03-05. Review status: criteria provided, single submitter. Criteria: GeneDx Variant Classification Process June 2021. Collection method: clinical testing. Allele origin: germline. Affected: yes. Not counted in ClinVar's aggregate classification.
Comment: Has not been previously published as pathogenic or benign to our knowledge; In silico analysis supports that this missense variant has a deleterious effect on protein structure/function; This variant is associated with the following publications: (PMID: 28324312)

Color Diagnostics, LLC DBA Color Health
Classification: Likely benign for Ornithine carbamoyltransferase deficiency. Last evaluated: 2022-05-20. Review status: criteria provided, single submitter. Criteria: ACMG Guidelines, 2015. Collection method: clinical testing. Allele origin: germline. Not counted in ClinVar's aggregate classification.

Ambry Genetics
Classification: Benign for Inborn genetic diseases. Last evaluated: 2021-12-01. Review status: criteria provided, single submitter. Criteria: Ambry Variant Classification Scheme 2023. Collection method: clinical testing. Allele origin: germline. Not counted in ClinVar's aggregate classification.

Genome-Nilou Lab
Classification: Uncertain significance for Ornithine carbamoyltransferase deficiency. Last evaluated: 2021-11-07. Review status: criteria provided, single submitter. Criteria: ACMG Guidelines, 2015. Collection method: clinical testing. Allele origin: germline. Affected: no. Not counted in ClinVar's aggregate classification.

Natera, Inc.
Classification: Uncertain significance for Ornithine transcarbamylase deficiency. Last evaluated: 2020-09-16. Review status: no assertion criteria provided. Collection method: clinical testing. Allele origin: germline. Not counted in ClinVar's aggregate classification.

Literature cited by the submitters: PubMed 37146589 (cited by Clingen Urea Cycle Disorders Variant Curation Expert Panel, ClinGen).